The following is an entry in ClinVar:

NM_000038.6(APC):c.4114C>A (p.Pro1372Thr)

Gene: APC (APC regulator of Wnt signaling pathway; plus strand). Cytogenetic location: 5q22.2.
Variant type: single nucleotide variant.
Coding change: c.4114C>A on transcript NM_000038.6 (MANE Select); coding-DNA position 4114, C replaced by A.
Protein change: p.Pro1372Thr; replaces proline 1372 with threonine.
Molecular consequence: missense variant.
Genome position (GRCh38, 1-based): chr5:112,839,708, C>A. VCF-style: chr5-112839708-C-A. GRCh37 (hg19) VCF-style: chr5-112175405-C-A.
Other names: c.4114C>A, p.Pro1372Thr (NM_001127510.3, NM_001354895.2); c.4060C>A, p.Pro1354Thr (NM_001127511.3); c.4168C>A, p.Pro1390Thr (NM_001354896.2); c.4144C>A, p.Pro1382Thr (NM_001354897.2); c.4039C>A, p.Pro1347Thr (NM_001354898.2); c.4030C>A, p.Pro1344Thr (NM_001354899.2); c.3991C>A, p.Pro1331Thr (NM_001354900.2); c.3937C>A, p.Pro1313Thr (NM_001354901.2); and 5 more; short protein forms P1212T, P1281T, P1313T, P1331T, P1344T, P1347T, P1372T, P1246T.
Identifiers: ClinVar variation 654960 (VCV000654960.10), dbSNP rs1580644170, ClinGen allele CA16030341.

ClinVar aggregate classification (germline): Uncertain significance (1 of 4 stars; one submission).

Conditions:
Familial adenomatous polyposis 1 (FAP1). Also called: FAMILIAL ADENOMATOUS POLYPOSIS 1, ATTENUATED; POLYPOSIS, ADENOMATOUS INTESTINAL. Identifiers: MedGen C2713442, MONDO:0021056, OMIM 175100. Disease mechanism: loss of function.

Submission:

Labcorp Genetics (formerly Invitae), Labcorp
Classification: Uncertain significance for Familial adenomatous polyposis 1. Last evaluated: 2018-11-11. Review status: criteria provided, single submitter. Criteria: Invitae Variant Classification Sherloc (09022015). Collection method: clinical testing. Allele origin: germline.
Comment: This sequence change replaces proline with threonine at codon 1372 of the APC protein (p.Pro1372Thr). The proline residue is highly conserved and there is a small physicochemical difference between proline and threonine. In summary, the available evidence is currently insufficient to determine the role of this variant in disease. Therefore, it has been classified as a Variant of Uncertain Significance. Algorithms developed to predict the effect of missense changes on protein structure and function are either unavailable or do not agree on the potential impact of this missense change (SIFT: "Deleterious"; PolyPhen-2: "Probably Damaging"; Align-GVGD: "Class C0"). This variant has not been reported in the literature in individuals with APC-related disease. This variant is not present in population databases (ExAC no frequency).